The following is an entry in ClinVar:

ClinVar aggregate classification (germline): Likely benign (0 of 4 stars; one submission).

Conditions:
FILIP1L-related disorder. Also called: FILIP1L-related condition.

Allele frequency attached by ClinVar (database versions not stated): gnomAD 0.00011; TOPMed 0.00011; ExAC 0.00022; gnomAD exomes 0.00026; ESP Exome Variant Server 0.00034.
gnomAD v4.1: 389 of 1,611,784 alleles (0.024%); highest among the groups gnomAD compares: Non-Finnish European, 0.032%; no homozygotes.

Submission:

PreventionGenetics, part of Exact Sciences
Classification: Likely benign for FILIP1L-related condition. Last evaluated: 2019-09-05. Review status: no assertion criteria provided. Collection method: clinical testing. Allele origin: germline.
Comment: This variant is classified as likely benign based on ACMG/AMP sequence variant interpretation guidelines (Richards et al. 2015 PMID: 25741868, with internal and published modifications).

NM_001387850.1(FILIP1L):c.3382-2628C>T

Genes: CMSS1 (cms1 ribosomal small subunit homolog; plus strand), FILIP1L (filamin A interacting protein 1 like; minus strand), LOC105374010 (uncharacterized LOC105374010; plus strand). Cytogenetic location: 3q12.1.
Variant type: single nucleotide variant.
Coding change: c.3382-2628C>T on transcript NM_001387850.1 (MANE Select); 2628 bases into the intron before coding-DNA position 3382, C replaced by T.
Molecular consequence: intron variant. On other transcripts: 3 prime UTR variant (3).
Genome position (GRCh38, 1-based): chr3:99,833,233, G>A on the plus strand (C>T on the coding strand, the complement: FILIP1L is on the minus strand). VCF-style: chr3-99833233-G-A. GRCh37 (hg19) VCF-style: chr3-99552077-G-A.
Other names: c.*2C>T (NM_001282793.2, NM_001282794.2, NM_182909.4); c.64+15190G>A (NM_032359.4); c.606-2628C>T (NM_001387852.1); c.2662-2628C>T (NM_001387851.1).
Identifiers: ClinVar variation 3053255 (VCV003053255.2), dbSNP rs377049900, ClinGen allele CA2513246.